The following is an entry in ClinVar:

ClinVar aggregate classification (germline): conflicting data from submitters (0 of 4 stars; one submission).

Submission:

ISCA site 1
Classification: conflicting data from submitters. Last evaluated: 2014-07-18. Review status: no assertion criteria provided. Collection method: clinical testing. Allele origin: maternal, unknown. Affected: yes. Observed: 6 variant alleles. Clinical features observed: Developmental delay AND/OR other significant developmental or morphological phenotypes, Atrial septal defect (HP:0001631), Anal atresia (HP:0002023), Global developmental delay (HP:0001263), Abnormality of the tongue (HP:0000157), Abnormality of the uvula (HP:0000172), Abnormality of the breast (HP:0000769), Redundant skin (HP:0001582), Intellectual disability (HP:0001249).
Comment: Uncertain significance(2), Likely benign (4)

Copy number variation identified through the course of routine clinical cytogenomic testing in postnatal populations, with clinical assertions as classified by the original submitter. For data from the original published study, Kaminsky, et al. 2011 (PubMed 21844811), please see nstd101.

GRCh38/hg38 Xp11.4(chrX:38629364-38769503)x3

Genes: TSPAN7 (tetraspanin 7; plus strand), LOC130068099 (ATAC-STARR-seq lymphoblastoid silent region 20736; plus strand). Cytogenetic location: Xp11.4.
Variant type: copy number gain.
Change: copy number 3 of chrX:38,629,364-38,769,503 (140.1 kb, GRCh38 coordinates, 1-based), cytogenetic band Xp11.4.
Identifiers: ClinVar variation 149521 (VCV000149521.2).